The following is an entry in ClinVar:

NM_001384900.1(SEMA3D):c.1030G>A (p.Val344Ile)

Gene: SEMA3D (semaphorin 3D; minus strand). Cytogenetic location: 7q21.11.
Variant type: single nucleotide variant.
Coding change: c.1030G>A on transcript NM_001384900.1 (MANE Select); coding-DNA position 1030, G replaced by A.
Protein change: p.Val344Ile; replaces valine 344 with isoleucine.
Molecular consequence: missense variant.
Genome position (GRCh38, 1-based): chr7:85,040,689, C>T on the plus strand (G>A on the coding strand, the complement: SEMA3D is on the minus strand). VCF-style: chr7-85040689-C-T. GRCh37 (hg19) VCF-style: chr7-84670005-C-T.
Other names: c.1030G>A, p.Val344Ile (NM_001384901.1, NM_001384902.1, NM_001384903.1 and 1 more transcripts); short protein forms V344I.
Identifiers: ClinVar variation 4990981 (VCV004990981.1).

ClinVar aggregate classification (germline): Uncertain significance (1 of 4 stars; one submission).

Conditions:
SEMA3D-related disorder. Also called: SEMA3D-related condition.

Submission:

PreventionGenetics, part of Exact Sciences
Classification: Uncertain significance for SEMA3D-related condition. Last evaluated: 2025-12-16. Review status: criteria provided, single submitter. Criteria: ACMG Guidelines, 2015. Collection method: clinical testing. Allele origin: germline.
Comment: The SEMA3D c.1030G>A variant is predicted to result in the amino acid substitution p.Val344Ile. To our knowledge, this variant has not been reported in the literature or in a large population database (gnomAD), indicating this variant is rare. At this time, the clinical significance of this variant is uncertain due to the absence of conclusive functional and genetic evidence.